The following is an entry in ClinVar:

NM_000219.6(KCNE1):c.271G>T (p.Asp91Tyr)

Gene: KCNE1 (potassium voltage-gated channel subfamily E regulatory subunit 1; minus strand). Cytogenetic location: 21q22.12.
Variant type: single nucleotide variant.
Coding change: c.271G>T on transcript NM_000219.6 (MANE Select); coding-DNA position 271, G replaced by T.
Protein change: p.Asp91Tyr; replaces aspartic acid 91 with tyrosine.
Molecular consequence: missense variant.
Genome position (GRCh38, 1-based): chr21:34,449,364, C>A on the plus strand (G>T on the coding strand, the complement: KCNE1 is on the minus strand). VCF-style: chr21-34449364-C-A. GRCh37 (hg19) VCF-style: chr21-35821662-C-A.
Other names: c.271G>T, p.Asp91Tyr (NM_001127668.4, NM_001127669.4, NM_001127670.4 and 4 more transcripts); short protein forms D91Y.
Identifiers: ClinVar variation 3374495 (VCV003374495.2).

Conditions:
Long QT syndrome 5 (LQT5). Identifiers: Orphanet 101016, Orphanet 768, MedGen C1867904, MONDO:0013372, OMIM 613695.

Submission:

Roden Lab, Vanderbilt University Medical Center
No classification provided (evidence only). Condition: Long QT syndrome 5. Review status: no classification provided. Collection method: in vitro. Allele origin: not applicable. Functional consequence: Effect on ion channel function.
ClinVar note: "not provided" was previously submitted as the classification for the variant. However, the classification appeared to be based only on an observation of functional data so it was converted to no classification on 2025-07-30.